The following is an entry in ClinVar:

ClinVar aggregate classification (germline): Benign/Likely benign. Review status: criteria provided, multiple submitters, no conflicts (2 of 4 stars). 3 submissions from 3 submitters: Benign (1); Likely benign (2). Last evaluated 2024-11-23.

Conditions:
Familial acute necrotizing encephalopathy (IIAE3). Also called: ENCEPHALOPATHY, ACUTE, INFECTION-INDUCED, SUSCEPTIBILITY TO, 3; Susceptibility to Acute Necrotizing Encephalopathy 1. Identifiers: Orphanet 88619, MedGen C2675556, MONDO:0011953, OMIM 608033.

Allele frequency attached by ClinVar (database versions not stated): ExAC 0.00034; 1000 Genomes Project 30x 0.00062; gnomAD exomes 0.00094 and 0.00419; TOPMed 0.00345; gnomAD 0.00377 and 0.00399.
gnomAD v4.1: 6,704 of 1,611,828 alleles (0.42%); highest among the groups gnomAD compares: Non-Finnish European, 0.46%; 20 homozygotes.

Submissions (3):

Blueprint Genetics
Classification: Likely benign. Last evaluated: 2024-11-23. Review status: criteria provided, single submitter. Criteria: ACMG Guidelines, 2015. Collection method: clinical testing. Allele origin: germline.

Labcorp Genetics (formerly Invitae), Labcorp
Classification: Benign for Familial acute necrotizing encephalopathy. Last evaluated: 2024-11-10. Review status: criteria provided, single submitter. Criteria: Invitae Variant Classification Sherloc (09022015). Collection method: clinical testing. Allele origin: germline.

GeneDx
Classification: Likely benign. Last evaluated: 2017-11-13. Review status: criteria provided, single submitter. Criteria: GeneDx Variant Classification (06012015). Collection method: clinical testing. Allele origin: germline. Affected: yes.
Comment: This variant is considered likely benign or benign based on one or more of the following criteria: it is a conservative change, it occurs at a poorly conserved position in the protein, it is predicted to be benign by multiple in silico algorithms, and/or has population frequency not consistent with disease.

NM_006267.5(RANBP2):c.1274-14T>A

Gene: RANBP2 (RAN binding protein 2; plus strand). Cytogenetic location: 2q13.
Variant type: single nucleotide variant.
Coding change: c.1274-14T>A on transcript NM_006267.5 (MANE Select); 14 bases into the intron before coding-DNA position 1274, T replaced by A.
Molecular consequence: intron variant.
Genome position (GRCh38, 1-based): chr2:108,751,250, T>A. VCF-style: chr2-108751250-T-A. GRCh37 (hg19) VCF-style: chr2-109367706-T-A.
Identifiers: ClinVar variation 380597 (VCV000380597.9), dbSNP rs201447069, ClinGen allele CA1822294.